The following is an entry in ClinVar:

ClinVar aggregate classification (germline): Uncertain significance (1 of 4 stars; one submission).

Conditions:
Neurofibromatosis, type 1 (NF1). Also called: Neurofibromatosis, type I; NEUROFIBROMATOSIS, TYPE I, SOMATIC; Peripheral type neurofibromatosis; VON RECKLINGHAUSEN DISEASE. Identifiers: Orphanet 636, MedGen C0027831, MONDO:0018975, OMIM 162200. Disease mechanism: loss of function.

Submission:

Labcorp Genetics (formerly Invitae), Labcorp
Classification: Uncertain significance for Neurofibromatosis, type 1. Last evaluated: 2021-12-19. Review status: criteria provided, single submitter. Criteria: Invitae Variant Classification Sherloc (09022015). Collection method: clinical testing. Allele origin: germline.
Comment: In summary, the available evidence is currently insufficient to determine the role of this variant in disease. Therefore, it has been classified as a Variant of Uncertain Significance. Algorithms developed to predict the effect of sequence changes on RNA splicing suggest that this variant may create or strengthen a splice site. Advanced modeling of protein sequence and biophysical properties (such as structural, functional, and spatial information, amino acid conservation, physicochemical variation, residue mobility, and thermodynamic stability) performed at Invitae indicates that this missense variant is not expected to disrupt NF1 protein function. This variant has not been reported in the literature in individuals affected with NF1-related conditions. This variant is not present in population databases (gnomAD no frequency). This sequence change replaces isoleucine, which is neutral and non-polar, with valine, which is neutral and non-polar, at codon 913 of the NF1 protein (p.Ile913Val).

NM_001042492.3(NF1):c.2737A>G (p.Ile913Val)

Gene: NF1 (neurofibromin 1; plus strand). Cytogenetic location: 17q11.2.
Variant type: single nucleotide variant.
Coding change: c.2737A>G on transcript NM_001042492.3 (MANE Select); coding-DNA position 2737, A replaced by G.
Protein change: p.Ile913Val; replaces isoleucine 913 with valine.
Molecular consequence: missense variant.
Genome position (GRCh38, 1-based): chr17:31,229,352, A>G. VCF-style: chr17-31229352-A-G. GRCh37 (hg19) VCF-style: chr17-29556370-A-G.
Other names: c.2737A>G, p.Ile913Val (NM_000267.4); short protein forms I913V.
Identifiers: ClinVar variation 2048894 (VCV002048894.4), dbSNP rs2151429556, ClinGen allele CA398985258.